The following is an entry in ClinVar:

ClinVar aggregate classification (germline): Benign/Likely benign. Review status: criteria provided, multiple submitters, no conflicts (2 of 4 stars). 3 submissions from 3 submitters: Benign (1); Likely benign (2). Last evaluated 2019-03-10.

Conditions:
Mulibrey nanism syndrome. Also called: MUSCLE-LIVER-BRAIN-EYE NANISM; PERHEENTUPA SYNDROME; PERICARDIAL CONSTRICTION AND GROWTH FAILURE. Identifiers: Orphanet 2576, MedGen C0524582, MONDO:0009664, OMIM 253250.

Allele frequency attached by ClinVar (database versions not stated): gnomAD exomes 0.01870; 1000 Genomes Project 30x 0.02030; TOPMed 0.02063; gnomAD 0.02079 and 0.02087; 1000 Genomes Project 0.02117.
gnomAD v4.1: 11,688 of 606,396 alleles (1.9%); highest among the groups gnomAD compares: Middle Eastern, 5.5%; 167 homozygotes.

Submissions (3):

GeneDx
Classification: Likely benign. Last evaluated: 2019-03-10. Review status: criteria provided, single submitter. Criteria: GeneDx Variant Classification Process June 2021. Collection method: clinical testing. Allele origin: germline. Affected: yes.

Illumina Laboratory Services, Illumina
Classification: Benign for Mulibrey nanism syndrome. Last evaluated: 2018-01-13. Review status: criteria provided, single submitter. Criteria: ICSL Variant Classification Criteria 13 December 2019. Collection method: clinical testing. Allele origin: germline.
Comment: This variant was observed in the ICSL laboratory as part of a predisposition screen in an ostensibly healthy population. It had not been previously curated by ICSL or reported in the Human Gene Mutation Database (HGMD: prior to June 1st, 2018), and was therefore a candidate for classification through an automated scoring system. Utilizing variant allele frequency, disease prevalence and penetrance estimates, and inheritance mode, an automated score was calculated to assess if this variant is too frequent to cause the disease. Based on the score and internal cut-off values, a variant classified as benign is not then subjected to further curation. The score for this variant resulted in a classification of benign for this disease.

Breakthrough Genomics
Classification: Likely benign. Review status: criteria provided, single submitter. Criteria: ACMG Guidelines, 2015. Collection method: not provided. Allele origin: germline. Inheritance: Autosomal recessive inheritance. Affected: yes.

NM_015294.6(TRIM37):c.-224A>G

Gene: TRIM37 (tripartite motif containing 37; minus strand). Cytogenetic location: 17q22.
Variant type: single nucleotide variant.
Coding change: c.-224A>G on transcript NM_015294.6 (MANE Select); 224 bases upstream of the start codon, A replaced by G.
Molecular consequence: 5 prime UTR variant. On other transcripts: non-coding transcript variant (2).
Genome position (GRCh38, 1-based): chr17:59,106,685, T>C on the plus strand (A>G on the coding strand, the complement: TRIM37 is on the minus strand). VCF-style: chr17-59106685-T-C. GRCh37 (hg19) VCF-style: chr17-57184046-T-C.
Other names: c.-224A>G (NM_001005207.5, NM_001320987.3, NM_001320988.3 and 4 more transcripts); c.-666A>G (NM_001320990.3); c.-976A>G (NM_001353083.2); c.-496A>G (NM_001353085.2).
Identifiers: ClinVar variation 324212 (VCV000324212.8), dbSNP rs11541295, ClinGen allele CA10650579.
Genomic context (GRCh38, chr17:59,106,685, plus strand): 5'-CAGCGCCGCCTACCCCCATTTCGCCATTTTTACCGGCGCGCCCGCCCCGAGGCGCAGAAG[T>C]AGGGCGAACGGTGGCCGCAGCTCCTTTCTCCCGGCTCAGCCGCCGGCCAGCAGCCGCGCC-3'